The following is an entry in ClinVar:

NM_002635.4(SLC25A3):c.22C>G (p.Leu8Val)

Gene: SLC25A3 (solute carrier family 25 member 3; plus strand). Cytogenetic location: 12q23.1.
Variant type: single nucleotide variant.
Coding change: c.22C>G on transcript NM_002635.4 (MANE Select); coding-DNA position 22, C replaced by G.
Protein change: p.Leu8Val; replaces leucine 8 with valine.
Molecular consequence: missense variant.
Genome position (GRCh38, 1-based): chr12:98,594,000, C>G. VCF-style: chr12-98594000-C-G. GRCh37 (hg19) VCF-style: chr12-98987778-C-G.
Other names: c.22C>G, p.Leu8Val (NM_005888.4, NM_213611.3); short protein forms L8V.
Identifiers: ClinVar variation 1993989 (VCV001993989.2), dbSNP rs145180863, ClinGen allele CA6732787.

ClinVar aggregate classification (germline): Uncertain significance (1 of 4 stars; one submission).

Allele frequency attached by ClinVar (database versions not stated): ExAC 0.00002; ESP Exome Variant Server 0.00008.
gnomAD v4.1: 4 of 1,613,906 alleles (0.00025%); highest among the groups gnomAD compares: Middle Eastern, 0.016%; no homozygotes.

Submission:

Labcorp Genetics (formerly Invitae), Labcorp
Classification: Uncertain significance. Last evaluated: 2022-05-13. Review status: criteria provided, single submitter. Criteria: Invitae Variant Classification Sherloc (09022015). Collection method: clinical testing. Allele origin: germline.
Comment: This sequence change replaces leucine, which is neutral and non-polar, with valine, which is neutral and non-polar, at codon 8 of the SLC25A3 protein (p.Leu8Val). This variant is present in population databases (rs145180863, gnomAD 0.002%). This variant has not been reported in the literature in individuals affected with SLC25A3-related conditions. Algorithms developed to predict the effect of missense changes on protein structure and function (SIFT, PolyPhen-2, Align-GVGD) all suggest that this variant is likely to be tolerated. In summary, the available evidence is currently insufficient to determine the role of this variant in disease. Therefore, it has been classified as a Variant of Uncertain Significance.